The following is an entry in ClinVar:

ClinVar aggregate classification (germline): Uncertain significance (1 of 4 stars; one submission).

Conditions:
Severe combined immunodeficiency due to LCK deficiency. Also called: Immunodeficiency 22. Identifiers: Orphanet 280142, MedGen C4014233, MONDO:0014334, OMIM 615758.

Allele frequency attached by ClinVar (database versions not stated): gnomAD 0.00001; gnomAD exomes 0.00001; TOPMed 0.00001.
gnomAD v4.1: 10 of 1,613,004 alleles (0.00062%); highest among the groups gnomAD compares: Non-Finnish European, 0.00085%; no homozygotes.

Submission:

Labcorp Genetics (formerly Invitae), Labcorp
Classification: Uncertain significance for Severe combined immunodeficiency due to LCK deficiency. Last evaluated: 2023-07-07. Review status: criteria provided, single submitter. Criteria: Invitae Variant Classification Sherloc (09022015). Collection method: clinical testing. Allele origin: germline.
Comment: In summary, the available evidence is currently insufficient to determine the role of this variant in disease. Therefore, it has been classified as a Variant of Uncertain Significance. An algorithm developed to predict the effect of missense changes on protein structure and function (PolyPhen-2) suggests that this variant is likely to be tolerated. ClinVar contains an entry for this variant (Variation ID: 2088770). This variant has not been reported in the literature in individuals affected with LCK-related conditions. This variant is not present in population databases (gnomAD no frequency). This sequence change replaces isoleucine, which is neutral and non-polar, with methionine, which is neutral and non-polar, at codon 338 of the LCK protein (p.Ile338Met).

NM_005356.5(LCK):c.1014C>G (p.Ile338Met)

Gene: LCK (LCK proto-oncogene, Src family tyrosine kinase; plus strand). Cytogenetic location: 1p35.2.
Variant type: single nucleotide variant.
Coding change: c.1014C>G on transcript NM_005356.5 (MANE Select); coding-DNA position 1014, C replaced by G.
Protein change: p.Ile338Met; replaces isoleucine 338 with methionine.
Molecular consequence: missense variant.
Genome position (GRCh38, 1-based): chr1:32,279,720, C>G. VCF-style: chr1-32279720-C-G. GRCh37 (hg19) VCF-style: chr1-32745321-C-G.
Other names: c.1014C>G, p.Ile338Met (NM_001042771.3); c.861C>G, p.Ile287Met (NM_001330468.2); short protein forms I287M, I338M.
Identifiers: ClinVar variation 2088770 (VCV002088770.4), dbSNP rs1640391545, ClinGen allele CA339642317.